The following is an entry in ClinVar:

ClinVar aggregate classification (germline): Conflicting classifications of pathogenicity. Review status: criteria provided, conflicting classifications (1 of 4 stars). 3 submissions from 3 submitters: Pathogenic (1); Likely pathogenic (1); Uncertain significance (1). Last evaluated 2025-04-23.

Conditions:
SLC18A3-related disorder. Also called: SLC18A3-related condition.
Congenital myasthenic syndrome 21. Also called: Myasthenic syndrome, congenital, 21, presynaptic. Identifiers: MedGen C4310654, MONDO:0014983, OMIM 617239.

Allele frequency attached by ClinVar (database versions not stated): gnomAD exomes below 0.00001; TOPMed 0.00001.
gnomAD v4.1: 3 of 1,602,608 alleles (0.00019%); highest among the groups gnomAD compares: Non-Finnish European, 0.00025%; no homozygotes.

Submissions (3):

Revvity Omics, Revvity
Classification: Uncertain significance for Congenital myasthenic syndrome 21. Last evaluated: 2025-04-23. Review status: criteria provided, single submitter. Criteria: ACMG Guidelines, 2015. Collection method: clinical testing. Allele origin: germline.

Blueprint Genetics
Classification: Pathogenic for SLC18A3-related disorders. Last evaluated: 2024-09-07. Review status: criteria provided, single submitter. Criteria: ACMG Guidelines, 2015. Collection method: clinical testing. Allele origin: germline. Affected: yes. Observed: 4 variant alleles.

GeneDx
Classification: Likely pathogenic. Last evaluated: 2020-10-29. Review status: criteria provided, single submitter. Criteria: GeneDx Variant Classification Process June 2021. Collection method: clinical testing. Allele origin: germline. Affected: yes.
Comment: In silico analysis, which includes protein predictors and evolutionary conservation, supports a deleterious effect; Not observed in large population cohorts (Lek et al., 2016); Has not been previously published as pathogenic or benign to our knowledge; This variant is associated with the following publications: (PMID: 33462016)

NM_003055.3(SLC18A3):c.599T>A (p.Ile200Asn)

Genes: CHAT (choline O-acetyltransferase; plus strand), SLC18A3 (solute carrier family 18 member A3; plus strand). Cytogenetic location: 10q11.23.
Variant type: single nucleotide variant.
Coding change: c.599T>A on transcript NM_003055.3 (MANE Select); coding-DNA position 599, T replaced by A.
Protein change: p.Ile200Asn; replaces isoleucine 200 with asparagine.
Molecular consequence: missense variant. On other transcripts: intron variant (1).
Genome position (GRCh38, 1-based): chr10:49,611,339, T>A. VCF-style: chr10-49611339-T-A. GRCh37 (hg19) VCF-style: chr10-50819385-T-A.
Other names: c.-69+2140T>A (NM_020984.4); short protein forms I200N.
Identifiers: ClinVar variation 451787 (VCV000451787.8), dbSNP rs1554800621, ClinGen allele CA376719637.
Genomic context (GRCh38, chr10:49,611,339, plus strand): 5'-CGGCGCGCAGCCTGCAGGGCCTGGGCTCAGCCTTCGCCGACACGTCTGGCATAGCCATGA[T>A]CGCCGATAAGTACCCGGAGGAGCCGGAGCGCAGTCGTGCACTGGGCGTGGCGCTGGCCTT-3'
Protein context (NP_003046.2, residues 190-210): AFADTSGIAM[Ile200Asn]ADKYPEEPER